The following is an entry in ClinVar:

NM_001276270.2(MBD4):c.1616A>C (p.Tyr539Ser)

Gene: MBD4 (methyl-CpG binding domain 4, DNA glycosylase; minus strand). Cytogenetic location: 3q21.3.
Variant type: single nucleotide variant.
Coding change: c.1616A>C on transcript NM_001276270.2 (MANE Select); coding-DNA position 1616, A replaced by C.
Protein change: p.Tyr539Ser; replaces tyrosine 539 with serine.
Molecular consequence: missense variant. On other transcripts: intron variant (1).
Genome position (GRCh38, 1-based): chr3:129,432,534, T>G on the plus strand (A>C on the coding strand, the complement: MBD4 is on the minus strand). VCF-style: chr3-129432534-T-G. GRCh37 (hg19) VCF-style: chr3-129151377-T-G.
Other names: c.1634A>C, p.Tyr545Ser (NM_001276271.2, NM_003925.3); c.680A>C, p.Tyr227Ser (NM_001276273.2); c.1612+22A>C (NM_001276272.2); short protein forms Y539S, Y545S, Y227S.
Identifiers: ClinVar variation 3722754 (VCV003722754.2).
Genomic context (GRCh38, chr3:129,432,534, plus strand): 5'-GCTGAATTATGGATGGGAGTGAGCCTCACCTGCTTCCACTCATTGACACAAAAAATTCGG[T>G]AAGAGTCGTTGCCATATTTACCAATCCCATGAAGCTCAATTGGATACTTCCACTGCTTTG-3'
Protein context (NP_001263199.1, residues 529-549): HGIGKYGNDS[Tyr539Ser]RIFCVNEWKQ

ClinVar aggregate classification (germline): Uncertain significance (1 of 4 stars; one submission).

Submission:

Labcorp Genetics (formerly Invitae), Labcorp
Classification: Uncertain significance. Last evaluated: 2024-10-12. Review status: criteria provided, single submitter. Criteria: Invitae Variant Classification Sherloc (09022015). Collection method: clinical testing. Allele origin: germline.
Comment: This sequence change replaces tyrosine, which is neutral and polar, with serine, which is neutral and polar, at codon 545 of the MBD4 protein (p.Tyr545Ser). This variant is not present in population databases (gnomAD no frequency). This variant has not been reported in the literature in individuals affected with MBD4-related conditions. An algorithm developed to predict the effect of missense changes on protein structure and function (PolyPhen-2) suggests that this variant is likely to be disruptive. In summary, the available evidence is currently insufficient to determine the role of this variant in disease. Therefore, it has been classified as a Variant of Uncertain Significance.